The following is an entry in ClinVar:

NM_020928.2(ZSWIM6):c.914A>T (p.Asp305Val)

Gene: ZSWIM6 (zinc finger SWIM-type containing 6; plus strand). Cytogenetic location: 5q12.1.
Variant type: single nucleotide variant.
Coding change: c.914A>T on transcript NM_020928.2 (MANE Select); coding-DNA position 914, A replaced by T.
Protein change: p.Asp305Val; replaces aspartic acid 305 with valine.
Molecular consequence: missense variant.
Genome position (GRCh38, 1-based): chr5:61,472,918, A>T. VCF-style: chr5-61472918-A-T. GRCh37 (hg19) VCF-style: chr5-60768745-A-T.
Other names: short protein forms D305V.
Identifiers: ClinVar variation 5036930 (VCV005036930.1).

ClinVar aggregate classification (germline): Uncertain significance (1 of 4 stars; one submission).

Submission:

GeneDx
Classification: Uncertain significance. Last evaluated: 2026-04-14. Review status: criteria provided, single submitter. Criteria: GeneDx Variant Classification Process June 2021. Collection method: clinical testing. Allele origin: germline.
Comment: In silico analysis supports that this missense variant has a deleterious effect on protein structure/function; Has not been previously published as pathogenic or benign to our knowledge